The following is an entry in ClinVar:

ClinVar aggregate classification (germline): Uncertain significance (1 of 4 stars; one submission).

Submission:

Labcorp Genetics (formerly Invitae), Labcorp
Classification: Uncertain significance. Last evaluated: 2024-11-05. Review status: criteria provided, single submitter. Criteria: Invitae Variant Classification Sherloc (09022015). Collection method: clinical testing. Allele origin: germline.
Comment: This sequence change replaces leucine, which is neutral and non-polar, with valine, which is neutral and non-polar, at codon 4 of the AAAS protein (p.Leu4Val). This variant is not present in population databases (gnomAD no frequency). This variant has not been reported in the literature in individuals affected with AAAS-related conditions. ClinVar contains an entry for this variant (Variation ID: 1901932). An algorithm developed to predict the effect of missense changes on protein structure and function (PolyPhen-2) suggests that this variant is likely to be disruptive. In summary, the available evidence is currently insufficient to determine the role of this variant in disease. Therefore, it has been classified as a Variant of Uncertain Significance.

NM_015665.6(AAAS):c.10C>G (p.Leu4Val)

Gene: AAAS (aladin WD repeat nucleoporin; minus strand). Cytogenetic location: 12q13.13.
Variant type: single nucleotide variant.
Coding change: c.10C>G on transcript NM_015665.6 (MANE Select); coding-DNA position 10, C replaced by G.
Protein change: p.Leu4Val; replaces leucine 4 with valine.
Molecular consequence: missense variant.
Genome position (GRCh38, 1-based): chr12:53,321,456, G>C on the plus strand (C>G on the coding strand, the complement: AAAS is on the minus strand). VCF-style: chr12-53321456-G-C. GRCh37 (hg19) VCF-style: chr12-53715240-G-C.
Other names: c.10C>G, p.Leu4Val (NM_001173466.2); short protein forms L4V.
Identifiers: ClinVar variation 1901932 (VCV001901932.4), dbSNP rs1362659148, ClinGen allele CA385047743.